The following is an entry in ClinVar:

NM_018226.6(RNPEPL1):c.2067G>A (p.Thr689=)

Gene: RNPEPL1 (arginyl aminopeptidase like 1; plus strand). Cytogenetic location: 2q37.3.
Variant type: single nucleotide variant.
Coding change: c.2067G>A on transcript NM_018226.6 (MANE Select); coding-DNA position 2067, G replaced by A.
Protein change: p.Thr689=; no amino-acid change (threonine 689 retained).
Molecular consequence: synonymous variant.
Genome position (GRCh38, 1-based): chr2:240,577,781, G>A. VCF-style: chr2-240577781-G-A. GRCh37 (hg19) VCF-style: chr2-241517198-G-A.
Identifiers: ClinVar variation 2652092 (VCV002652092.24), dbSNP rs148341098, ClinGen allele CA2205327.

ClinVar aggregate classification (germline): Likely benign (1 of 4 stars; one submission).

Allele frequency attached by ClinVar (database versions not stated): TOPMed 0.00081; gnomAD exomes 0.00098; gnomAD 0.00105; ExAC 0.00138; ESP Exome Variant Server 0.00146.
gnomAD v4.1: 1,596 of 1,611,268 alleles (0.099%); highest among the groups gnomAD compares: Non-Finnish European, 0.11%; 2 homozygotes.

Submission:

CeGaT Center for Human Genetics Tuebingen
Classification: Likely benign. Last evaluated: 2023-02-01. Review status: criteria provided, single submitter. Criteria: CeGaT Center For Human Genetics Tuebingen Variant Classification Criteria Version 2. Collection method: clinical testing. Allele origin: germline. Affected: yes. Observed: 1 variant allele.
Comment: RNPEPL1: BP4, BP7